The following is an entry in ClinVar:

ClinVar aggregate classification (germline): Uncertain significance. Review status: criteria provided, multiple submitters, no conflicts (2 of 4 stars). 2 submissions from 2 submitters: Uncertain significance (2). Last evaluated 2024-05-15.

Conditions:
Neuronal ceroid lipofuscinosis. Also called: Neuronal Ceroid Lipofuscinoses. Identifiers: Orphanet 216, Orphanet 79263, MedGen C0027877, MONDO:0016295. Disease mechanism: loss of function.

Allele frequency attached by ClinVar (database versions not stated): gnomAD exomes 0.00001; ExAC 0.00002.
gnomAD v4.1: 8 of 1,613,514 alleles (0.0005%); highest among the groups gnomAD compares: East Asian, 0.0022%; no homozygotes.

Submissions (2):

Blueprint Genetics
Classification: Uncertain significance. Last evaluated: 2024-05-15. Review status: criteria provided, single submitter. Criteria: ACMG Guidelines, 2015. Collection method: clinical testing. Allele origin: germline.

Labcorp Genetics (formerly Invitae), Labcorp
Classification: Uncertain significance for Neuronal ceroid lipofuscinosis. Last evaluated: 2023-10-13. Review status: criteria provided, single submitter. Criteria: Invitae Variant Classification Sherloc (09022015). Collection method: clinical testing. Allele origin: germline.
Comment: This sequence change replaces aspartic acid, which is acidic and polar, with asparagine, which is neutral and polar, at codon 61 of the CLN3 protein (p.Asp61Asn). This variant is present in population databases (rs772851701, gnomAD 0.006%). This variant has not been reported in the literature in individuals affected with CLN3-related conditions. ClinVar contains an entry for this variant (Variation ID: 1418609). Advanced modeling of protein sequence and biophysical properties (such as structural, functional, and spatial information, amino acid conservation, physicochemical variation, residue mobility, and thermodynamic stability) performed at Invitae indicates that this missense variant is expected to disrupt CLN3 protein function. In summary, the available evidence is currently insufficient to determine the role of this variant in disease. Therefore, it has been classified as a Variant of Uncertain Significance.

NM_001042432.2(CLN3):c.181G>A (p.Asp61Asn)

Gene: CLN3 (CLN3 lysosomal/endosomal transmembrane protein, battenin; minus strand). Cytogenetic location: 16p12.1.
Variant type: single nucleotide variant.
Coding change: c.181G>A on transcript NM_001042432.2 (MANE Select); coding-DNA position 181, G replaced by A.
Protein change: p.Asp61Asn; replaces aspartic acid 61 with asparagine.
Molecular consequence: missense variant. On other transcripts: 5 prime UTR variant (1).
Genome position (GRCh38, 1-based): chr16:28,489,331, C>T on the plus strand (G>A on the coding strand, the complement: CLN3 is on the minus strand). VCF-style: chr16-28489331-C-T. GRCh37 (hg19) VCF-style: chr16-28500652-C-T.
Other names: c.181G>A, p.Asp61Asn (NM_000086.2, NM_001286104.2); c.-40G>A (NM_001286105.2); c.19G>A, p.Asp7Asn (NM_001286109.2, NM_001286110.2); short protein forms D61N, D7N.
Identifiers: ClinVar variation 1418609 (VCV001418609.6), dbSNP rs772851701, ClinGen allele CA7981032.